The following is an entry in ClinVar:

NM_001113491.2(SEPTIN9):c.368G>A (p.Gly123Glu)

Gene: SEPTIN9 (septin 9; plus strand). Cytogenetic location: 17q25.3.
Variant type: single nucleotide variant.
Coding change: c.368G>A on transcript NM_001113491.2 (MANE Select); coding-DNA position 368, G replaced by A.
Protein change: p.Gly123Glu; replaces glycine 123 with glutamic acid.
Molecular consequence: missense variant. On other transcripts: 5 prime UTR variant (2).
Genome position (GRCh38, 1-based): chr17:77,402,350, G>A. VCF-style: chr17-77402350-G-A. GRCh37 (hg19) VCF-style: chr17-75398432-G-A.
Other names: c.314G>A, p.Gly105Glu (NM_006640.5); c.-125G>A (NM_001113492.2, NM_001113494.1); c.347G>A, p.Gly116Glu (NM_001113493.2); c.311G>A, p.Gly104Glu (NM_001293695.2); short protein forms G116E, G123E, G104E, G105E.
Identifiers: ClinVar variation 3698454 (VCV003698454.2).

ClinVar aggregate classification (germline): Uncertain significance (1 of 4 stars; one submission).

gnomAD v4.1: 8 of 1,612,492 alleles (0.0005%); highest among the groups gnomAD compares: Admixed American, 0.012%; no homozygotes.

Submission:

Labcorp Genetics (formerly Invitae), Labcorp
Classification: Uncertain significance. Last evaluated: 2025-01-02. Review status: criteria provided, single submitter. Criteria: Invitae Variant Classification Sherloc (09022015). Collection method: clinical testing. Allele origin: germline.
Comment: This sequence change replaces glycine, which is neutral and non-polar, with glutamic acid, which is acidic and polar, at codon 105 of the SEPT9 protein (p.Gly105Glu). This variant is present in population databases (rs764722321, gnomAD 0.02%). This variant has not been reported in the literature in individuals affected with SEPT9-related conditions. Invitae Evidence Modeling of protein sequence and biophysical properties (such as structural, functional, and spatial information, amino acid conservation, physicochemical variation, residue mobility, and thermodynamic stability) indicates that this missense variant is not expected to disrupt SEPT9 protein function with a negative predictive value of 80%. In summary, the available evidence is currently insufficient to determine the role of this variant in disease. Therefore, it has been classified as a Variant of Uncertain Significance.